The following is an entry in ClinVar:

ClinVar aggregate classification (germline): Uncertain significance (1 of 4 stars; one submission).

Conditions:
Fibrous dysplasia of jaw (CRBM). Also called: Cherubism. Identifiers: Orphanet 184, MedGen C0008029, MONDO:0007315, OMIM 118400.

gnomAD v4.1: 1 of 1,596,596 alleles (0.000063%); highest among the groups gnomAD compares: Non-Finnish European, 0.000085%; no homozygotes.

Submission:

Labcorp Genetics (formerly Invitae), Labcorp
Classification: Uncertain significance for Fibrous dysplasia of jaw. Last evaluated: 2025-12-02. Review status: criteria provided, single submitter. Criteria: Invitae Variant Classification Sherloc (09022015). Collection method: clinical testing. Allele origin: germline.
Comment: This sequence change replaces glutamine, which is neutral and polar, with histidine, which is basic and polar, at codon 547 of the SH3BP2 protein (p.Gln547His). This variant is not present in population databases (gnomAD no frequency). This variant has not been reported in the literature in individuals affected with SH3BP2-related conditions. ClinVar contains an entry for this variant (Variation ID: 1034507). Invitae Evidence Modeling of protein sequence and biophysical properties (such as structural, functional, and spatial information, amino acid conservation, physicochemical variation, residue mobility, and thermodynamic stability) indicates that this missense variant is not expected to disrupt SH3BP2 protein function with a negative predictive value of 95%. In summary, the available evidence is currently insufficient to determine the role of this variant in disease. Therefore, it has been classified as a Variant of Uncertain Significance.

NM_001122681.2(SH3BP2):c.1641G>C (p.Gln547His)

Gene: SH3BP2 (SH3 domain binding protein 2; plus strand). Cytogenetic location: 4p16.3.
Variant type: single nucleotide variant.
Coding change: c.1641G>C on transcript NM_001122681.2 (MANE Select); coding-DNA position 1641, G replaced by C.
Protein change: p.Gln547His; replaces glutamine 547 with histidine.
Molecular consequence: missense variant.
Genome position (GRCh38, 1-based): chr4:2,833,789, G>C. VCF-style: chr4-2833789-G-C. GRCh37 (hg19) VCF-style: chr4-2835516-G-C.
Other names: c.1725G>C, p.Gln575His (NM_001145855.2); c.1812G>C, p.Gln604His (NM_001145856.2); c.1641G>C, p.Gln547His (NM_003023.4); short protein forms Q547H, Q604H, Q575H.
Identifiers: ClinVar variation 1034507 (VCV001034507.8), dbSNP rs1030615203, ClinGen allele CA356059825.